The following is an entry in ClinVar:

NM_006939.4(SOS2):c.88-6T>C

Gene: SOS2 (SOS Ras/Rho guanine nucleotide exchange factor 2; minus strand). Cytogenetic location: 14q21.3.
Variant type: single nucleotide variant.
Coding change: c.88-6T>C on transcript NM_006939.4 (MANE Select); 6 bases into the intron before coding-DNA position 88, T replaced by C.
Molecular consequence: intron variant.
Genome position (GRCh38, 1-based): chr14:50,204,415, A>G on the plus strand (T>C on the coding strand, the complement: SOS2 is on the minus strand). VCF-style: chr14-50204415-A-G. GRCh37 (hg19) VCF-style: chr14-50671133-A-G.
Other names: p.?.
Identifiers: ClinVar variation 383779 (VCV000383779.19), dbSNP rs12888783, ClinGen allele CA7177613.

ClinVar aggregate classification (germline): Benign. Review status: criteria provided, multiple submitters, no conflicts (2 of 4 stars). 9 submissions from 9 submitters: Benign (7). 2 of the submissions do not count toward it. Last evaluated 2026-02-04.

Conditions:
Noonan syndrome 9 (NS9). Identifiers: Orphanet 648, MedGen C4225282, MONDO:0014691, OMIM 616559.

Allele frequency attached by ClinVar (database versions not stated): 1000 Genomes Project 30x 0.23798; 1000 Genomes Project 0.24201; TOPMed 0.29546; gnomAD 0.31273 and 0.31349; ESP Exome Variant Server 0.31876; ExAC 0.34372; gnomAD exomes 0.34444 and 0.39057.
gnomAD v4.1: 583,623 of 1,527,146 alleles (38%); highest among the groups gnomAD compares: Non-Finnish European, 42%; 117,399 homozygotes.

Submissions (9):

Labcorp Genetics (formerly Invitae), Labcorp
Classification: Benign for Noonan syndrome 9. Last evaluated: 2026-02-04. Review status: criteria provided, single submitter. Criteria: Invitae Variant Classification Sherloc (09022015). Collection method: clinical testing. Allele origin: germline.

Blueprint Genetics
Classification: Benign. Last evaluated: 2024-11-27. Review status: criteria provided, single submitter. Criteria: ACMG Guidelines, 2015. Collection method: clinical testing. Allele origin: germline.

Mayo Clinic Laboratories, Mayo Clinic
Classification: Benign. Last evaluated: 2022-04-26. Review status: criteria provided, single submitter. Criteria: ACMG Guidelines, 2015. Collection method: clinical testing. Allele origin: germline. Observed: 614 variant alleles.

Women's Health and Genetics/Laboratory Corporation of America, LabCorp
Classification: Benign. Last evaluated: 2017-04-17. Review status: criteria provided, single submitter. Criteria: LabCorp Variant Classification Summary - May 2015. Collection method: clinical testing. Allele origin: germline.
Comment: Variant summary: The SOS2 c.88-6T>C variant involves the alteration of a non-conserved intronic nucleotide. One in silico tool predicts a benign outcome for this variant. 5/5 splice prediction tools predict no significant impact on normal splicing. However, these predictions have yet to be confirmed by functional studies. The variant of interest has been found in a large, broad control population, ExAC in 41472/120656 control chromosomes (7805 homozygotes) at a frequency of 0.343721, which is approximately 137488 times the estimated maximal expected allele frequency of a pathogenic SOS2 variant (0.0000025), suggesting this variant is likely a benign polymorphism. In addition, one clinical diagnostic laboratory classified this variant as benign. The variant of interest has not, to our knowledge, been reported in affected individuals via publications; nor evaluated for functional impact by in vivo/vitro studies. Taken together, this variant is classified as benign.

GeneDx
Classification: Benign. Last evaluated: 2016-09-29. Review status: criteria provided, single submitter. Criteria: GeneDx Variant Classification (06012015). Collection method: clinical testing. Allele origin: germline. Affected: yes.
Comment: This variant is considered likely benign or benign based on one or more of the following criteria: it is a conservative change, it occurs at a poorly conserved position in the protein, it is predicted to be benign by multiple in silico algorithms, and/or has population frequency not consistent with disease.

Breakthrough Genomics
Classification: Benign. Review status: criteria provided, single submitter. Criteria: ACMG Guidelines, 2015. Collection method: not provided. Allele origin: germline. Inheritance: Autosomal dominant inheritance. Affected: yes.

Genome-Nilou Lab
Classification: Benign for Noonan syndrome 9. Review status: criteria provided, single submitter. Criteria: ACMG Guidelines, 2015. Collection method: clinical testing. Allele origin: germline.

Clinical Genetics, Academic Medical Center
Classification: Benign. Review status: no assertion criteria provided. Collection method: clinical testing. Allele origin: germline. Affected: yes. Study: VKGL Data-share Consensus. Not counted in ClinVar's aggregate classification.

Joint Genome Diagnostic Labs from Nijmegen and Maastricht, Radboudumc and MUMC+
Classification: Benign. Review status: no assertion criteria provided. Collection method: clinical testing. Allele origin: germline. Affected: yes. Study: VKGL Data-share Consensus. Not counted in ClinVar's aggregate classification.